The following is an entry in ClinVar:

NM_025099.6(CTC1):c.1077+6C>T

Gene: CTC1 (CST telomere replication complex component 1; minus strand). Cytogenetic location: 17p13.1.
Variant type: single nucleotide variant.
Coding change: c.1077+6C>T on transcript NM_025099.6 (MANE Select); 6 bases into the intron after coding-DNA position 1077, C replaced by T.
Molecular consequence: intron variant.
Genome position (GRCh38, 1-based): chr17:8,236,052, G>A on the plus strand (C>T on the coding strand, the complement: CTC1 is on the minus strand). VCF-style: chr17-8236052-G-A. GRCh37 (hg19) VCF-style: chr17-8139370-G-A.
Identifiers: ClinVar variation 1023865 (VCV001023865.8), dbSNP rs199696637, ClinGen allele CA8372483.

ClinVar aggregate classification (germline): Uncertain significance (1 of 4 stars; one submission).

Conditions:
Dyskeratosis congenita. Identifiers: Orphanet 1775, MedGen C0265965, MONDO:0015780.

Allele frequency attached by ClinVar (database versions not stated): ExAC 0.00001; gnomAD exomes 0.00001.
gnomAD v4.1: 7 of 1,609,180 alleles (0.00044%); highest among the groups gnomAD compares: Middle Eastern, 0.017%; no homozygotes.

Submission:

Labcorp Genetics (formerly Invitae), Labcorp
Classification: Uncertain significance for Dyskeratosis congenita. Last evaluated: 2021-05-21. Review status: criteria provided, single submitter. Criteria: Invitae Variant Classification Sherloc (09022015). Collection method: clinical testing. Allele origin: germline.
Comment: This sequence change falls in intron 6 of the CTC1 gene. It does not directly change the encoded amino acid sequence of the CTC1 protein, but it affects a nucleotide within the consensus splice site of the intron. This variant is present in population databases (rs199696637, ExAC 0.006%). This variant has not been reported in the literature in individuals with CTC1-related disease. Nucleotide substitutions within the consensus splice site are a relatively common cause of aberrant splicing (PMID: 17576681, 9536098). Algorithms developed to predict the effect of sequence changes on RNA splicing suggest that this variant is not likely to affect RNA splicing, but this prediction has not been confirmed by published transcriptional studies. In summary, the available evidence is currently insufficient to determine the role of this variant in disease. Therefore, it has been classified as a Variant of Uncertain Significance.

Literature cited by the submitters: PubMed 17576681; PubMed 9536098.